The following is an entry in ClinVar:

NM_014244.5(ADAMTS2):c.2218A>G (p.Lys740Glu)

Gene: ADAMTS2 (ADAM metallopeptidase with thrombospondin type 1 motif 2; minus strand). Cytogenetic location: 5q35.3.
Variant type: single nucleotide variant.
Coding change: c.2218A>G on transcript NM_014244.5 (MANE Select); coding-DNA position 2218, A replaced by G.
Protein change: p.Lys740Glu; replaces lysine 740 with glutamic acid.
Molecular consequence: missense variant.
Genome position (GRCh38, 1-based): chr5:179,132,302, T>C on the plus strand (A>G on the coding strand, the complement: ADAMTS2 is on the minus strand). VCF-style: chr5-179132302-T-C. GRCh37 (hg19) VCF-style: chr5-178559303-T-C.
Other names: short protein forms K740E.
Identifiers: ClinVar variation 990372 (VCV000990372.6), dbSNP rs946826671, ClinGen allele CA133034421.

ClinVar aggregate classification (germline): Uncertain significance. Review status: criteria provided, single submitter (1 of 4 stars). 2 submissions from 2 submitters: Uncertain significance (1). 1 of the submissions does not count toward it. Last evaluated 2021-08-13.

Conditions:
Ehlers-Danlos syndrome, dermatosparaxis type. Also called: Dermatosparaxis; Ehlers-Danlos syndrome, type VII, autosomal recessive; EDS VIIC. Identifiers: Orphanet 1901, MedGen C2700425, MONDO:0009161, OMIM 225410.

Allele frequency attached by ClinVar (database versions not stated): gnomAD exomes 0.00001.
gnomAD v4.1: 4 of 1,614,114 alleles (0.00025%); highest among the groups gnomAD compares: Admixed American, 0.0017%; no homozygotes.

Submissions (2):

Labcorp Genetics (formerly Invitae), Labcorp
Classification: Uncertain significance for Ehlers-Danlos syndrome, dermatosparaxis type. Last evaluated: 2021-08-13. Review status: criteria provided, single submitter. Criteria: Invitae Variant Classification Sherloc (09022015). Collection method: clinical testing. Allele origin: germline.
Comment: This sequence change replaces lysine with glutamic acid at codon 740 of the ADAMTS2 protein (p.Lys740Glu). The lysine residue is highly conserved and there is a small physicochemical difference between lysine and glutamic acid. This variant is not present in population databases (ExAC no frequency). This variant has not been reported in the literature in individuals affected with ADAMTS2-related conditions. Algorithms developed to predict the effect of missense changes on protein structure and function (SIFT, PolyPhen-2, Align-GVGD) all suggest that this variant is likely to be disruptive. In summary, the available evidence is currently insufficient to determine the role of this variant in disease. Therefore, it has been classified as a Variant of Uncertain Significance.

Natera, Inc.
Classification: Uncertain significance for Ehlers-Danlos syndrome type VIIC. Last evaluated: 2020-09-04. Review status: no assertion criteria provided. Collection method: clinical testing. Allele origin: germline. Not counted in ClinVar's aggregate classification.